The following is an entry in ClinVar:

ClinVar aggregate classification (germline): Uncertain significance (1 of 4 stars; one submission).

Conditions:
Exostoses, multiple, type 2 (EXT2). Also called: Hereditary Multiple Osteochondromatosis, Type II; EXOSTOSES, MULTIPLE, TYPE II. Identifiers: Orphanet 321, MedGen C1851413, MONDO:0007586, OMIM 133701.

gnomAD v4.1: 7 of 1,613,990 alleles (0.00043%); highest among the groups gnomAD compares: Non-Finnish European, 0.00059%; no homozygotes.

Submission:

St. Jude Molecular Pathology, St. Jude Children's Research Hospital
Classification: Uncertain significance for Exostoses, multiple, type 2. Last evaluated: 2024-08-15. Review status: criteria provided, single submitter. Criteria: St. Jude Assertion Criteria 2020. Collection method: clinical testing. Allele origin: germline.
Comment: The EXT2 c.2231G>C (p.Ser744Thr) missense change has a maximum subpopulation frequency of 0.003% in gnomAD v2.1.1. The in silico tool REVEL is inconclusive about a pathogenic or benign effect of this variant on protein function, and functional studies have not been performed. This variant has not been reported in individuals with hereditary multiple exostoses. In summary, the evidence currently available is insufficient to determine the clinical significance of this variant. It has therefore been classified as of uncertain significance.

NM_207122.2(EXT2):c.2132G>C (p.Ser711Thr)

Gene: EXT2 (exostosin glycosyltransferase 2; plus strand). Cytogenetic location: 11p11.2.
Variant type: single nucleotide variant.
Coding change: c.2132G>C on transcript NM_207122.2 (MANE Select); coding-DNA position 2132, G replaced by C.
Protein change: p.Ser711Thr; replaces serine 711 with threonine.
Molecular consequence: missense variant.
Genome position (GRCh38, 1-based): chr11:44,244,262, G>C. VCF-style: chr11-44244262-G-C. GRCh37 (hg19) VCF-style: chr11-44265812-G-C.
Other names: c.2231G>C, p.Ser744Thr (NM_000401.3); c.2162G>C, p.Ser721Thr (NM_001178083.3); c.2132G>C, p.Ser711Thr (NM_001389628.1, NM_001389630.1); short protein forms S711T, S721T, S744T.
Identifiers: ClinVar variation 3602654 (VCV003602654.1).
Genomic context (GRCh38, chr11:44,244,262, plus strand): 5'-TGGTGGAACACCGAGCTGACCCTGTCCTGTACAAAGATGACTTTCCTGAGAAGCTGAAGA[G>C]CTTCCCCAACATTGGCAGCTTATGAAACGTGTCATTGGTGGAGGTCTGAATGTGAGGCTG-3'
Protein context (NP_997005.1, residues 701-718): YKDDFPEKLK[Ser711Thr]FPNIGSL